The following is an entry in ClinVar:

ClinVar aggregate classification (germline): Uncertain significance (1 of 4 stars; one submission).

Conditions:
Inborn genetic diseases. Identifiers: MedGen C0950123, MeSH D030342.

Allele frequency attached by ClinVar (database versions not stated): gnomAD 0.00001; ExAC 0.00003; 1000 Genomes Project 30x 0.00016; 1000 Genomes Project 0.00020; gnomAD exomes below 0.00001; ESP Exome Variant Server 0.00015.
gnomAD v4.1: 4 of 1,613,774 alleles (0.00025%); highest among the groups gnomAD compares: East Asian, 0.0022%; no homozygotes.

Submission:

Ambry Genetics
Classification: Uncertain significance for Inborn genetic diseases. Last evaluated: 2026-07-08. Review status: criteria provided, single submitter. Criteria: Ambry Variant Classification Scheme 2023. Collection method: clinical testing. Allele origin: germline.
Comment: The c.86C>T (p.A29V) alteration is located in exon 2 (coding exon 1) of the ACTG1 gene. This alteration results from a C to T substitution at nucleotide position 86, causing the alanine (A) at amino acid position 29 to be replaced by a valine (V). Based on data from gnomAD, the T allele has an overall frequency of 0.001% (3/251102) total alleles studied. The highest observed frequency was 0.006% (1/16204) of African alleles. This amino acid position is highly conserved in available vertebrate species. This alteration is predicted to be deleterious by in silico analysis. Based on insufficient or conflicting evidence, the clinical significance of this alteration remains unclear.

NM_001614.5(ACTG1):c.86C>T (p.Ala29Val)

Genes: ACTG1 (actin gamma 1; minus strand), LOC130061940 (ATAC-STARR-seq lymphoblastoid active region 12964; plus strand). Cytogenetic location: 17q25.3.
Variant type: single nucleotide variant.
Coding change: c.86C>T on transcript NM_001614.5 (MANE Select); coding-DNA position 86, C replaced by T.
Protein change: p.Ala29Val; replaces alanine 29 with valine.
Molecular consequence: missense variant. On other transcripts: non-coding transcript variant (1).
Genome position (GRCh38, 1-based): chr17:81,512,269, G>A on the plus strand (C>T on the coding strand, the complement: ACTG1 is on the minus strand). VCF-style: chr17-81512269-G-A. GRCh37 (hg19) VCF-style: chr17-79479295-G-A.
Other names: c.86C>T, p.Ala29Val (NM_001199954.3); short protein forms A29V.
Identifiers: ClinVar variation 2228543 (VCV002228543.3), dbSNP rs375159565, ClinGen allele CA8836398.